The following is an entry in ClinVar:

ClinVar aggregate classification (germline): Conflicting classifications of pathogenicity. Review status: criteria provided, conflicting classifications (1 of 4 stars). 6 submissions from 6 submitters: Uncertain significance (3); Likely benign (3). Last evaluated 2026-02-02.

Conditions:
Congenital sideroblastic anemia-B-cell immunodeficiency-periodic fever-developmental delay syndrome. Also called: Sideroblastic anemia with B-cell immunodeficiency, periodic fevers, and developmental delay. Identifiers: Orphanet 369861, MedGen C4015172, MONDO:0014487, OMIM 616084.

Allele frequency attached by ClinVar (database versions not stated): gnomAD exomes 0.00056 and 0.00063; ExAC 0.00058; TOPMed 0.00058; gnomAD 0.00059 and 0.00061; ESP Exome Variant Server 0.00085.
gnomAD v4.1: 912 of 1,613,296 alleles (0.057%); highest among the groups gnomAD compares: Non-Finnish European, 0.061%; no homozygotes.

Submissions (6):

Labcorp Genetics (formerly Invitae), Labcorp
Classification: Likely benign for Congenital sideroblastic anemia-B-cell immunodeficiency-periodic fever-developmental delay syndrome. Last evaluated: 2026-02-02. Review status: criteria provided, single submitter. Criteria: Invitae Variant Classification Sherloc (09022015). Collection method: clinical testing. Allele origin: germline.

GeneDx
Classification: Uncertain significance. Last evaluated: 2025-07-09. Review status: criteria provided, single submitter. Criteria: GeneDx Variant Classification Process June 2021. Collection method: clinical testing. Allele origin: germline. Affected: yes.
Comment: In silico analysis supports that this missense variant has a deleterious effect on protein structure/function; Has not been previously published as pathogenic or benign to our knowledge

Mayo Clinic Laboratories, Mayo Clinic
Classification: Likely benign. Last evaluated: 2025-01-29. Review status: criteria provided, single submitter. Criteria: ACMG Guidelines, 2015. Collection method: clinical testing. Allele origin: germline. Observed: 1 variant allele.
Comment: BS1, BP4_moderate

Blueprint Genetics
Classification: Uncertain significance. Last evaluated: 2024-09-09. Review status: criteria provided, single submitter. Criteria: ACMG Guidelines, 2015. Collection method: clinical testing. Allele origin: germline.

ARUP Laboratories, Molecular Genetics and Genomics, ARUP Laboratories
Classification: Uncertain significance. Last evaluated: 2023-12-06. Review status: criteria provided, single submitter. Criteria: ARUP Molecular Germline Variant Investigation Process 2024. Collection method: clinical testing. Allele origin: germline.
Comment: The TRNT1 c.1292T>C; p.Ile431Thr variant (rs150984011), to our knowledge, is not reported in the medical literature but is reported in ClinVar (Variation ID: 542066). This variant is observed in the general population with an overall allele frequency of 0.06% (176/281194 alleles) in the Genome Aggregation Database (v2.1.1). Computational analyses are uncertain whether this variant is neutral or deleterious (REVEL: 0.152). Due to limited information, the clinical significance of this variant is uncertain at this time.

Breakthrough Genomics
Classification: Likely benign. Review status: criteria provided, single submitter. Criteria: ACMG Guidelines, 2015. Collection method: not provided. Allele origin: germline. Inheritance: Autosomal recessive inheritance. Affected: yes.

NM_182916.3(TRNT1):c.1292T>C (p.Ile431Thr)

Gene: TRNT1 (tRNA nucleotidyl transferase 1; plus strand). Cytogenetic location: 3p26.2.
Variant type: single nucleotide variant.
Coding change: c.1292T>C on transcript NM_182916.3 (MANE Select); coding-DNA position 1292, T replaced by C.
Protein change: p.Ile431Thr; replaces isoleucine 431 with threonine.
Molecular consequence: missense variant. On other transcripts: non-coding transcript variant (8).
Genome position (GRCh38, 1-based): chr3:3,148,141, T>C. VCF-style: chr3-3148141-T-C. GRCh37 (hg19) VCF-style: chr3-3189825-T-C.
Other names: p.Ile431Thr; c.1292T>C, p.Ile431Thr (LRG_1314t1, NM_001367321.1, NM_001367322.1 and 1 more transcripts); c.1232T>C, p.Ile411Thr (NM_001302946.2); short protein forms I411T, I431T.
Identifiers: ClinVar variation 542066 (VCV000542066.20), dbSNP rs150984011, ClinGen allele CA2228937.